The following is an entry in ClinVar:

ClinVar aggregate classification (germline): Conflicting classifications of pathogenicity. Review status: criteria provided, conflicting classifications (1 of 4 stars). 3 submissions from 3 submitters: Uncertain significance (2); Likely benign (1). Last evaluated 2023-12-05.

Conditions:
Hereditary cancer-predisposing syndrome. Also called: Neoplastic Syndromes, Hereditary; Tumor predisposition; Hereditary neoplastic syndrome; Hereditary Cancer Syndrome. Identifiers: Orphanet 140162, MedGen C0027672, MeSH D009386, MONDO:0015356.

Submissions (3):

Color Diagnostics, LLC DBA Color Health
Classification: Uncertain significance for Hereditary cancer-predisposing syndrome. Last evaluated: 2023-12-05. Review status: criteria provided, single submitter. Criteria: ACMG Guidelines, 2015. Collection method: clinical testing. Allele origin: germline.
Comment: This missense variant replaces glutamic acid with alanine at codon 461 of the BRCA2 protein. Computational prediction suggests that this variant may not impact protein structure and function (internally defined REVEL score threshold <= 0.5, PMID: 27666373). To our knowledge, functional studies have not been reported for this variant. This variant has not been reported in individuals affected with BRCA2-related disorders in the literature. This variant has not been identified in the general population by the Genome Aggregation Database (gnomAD). The available evidence is insufficient to determine the role of this variant in disease conclusively. Therefore, this variant is classified as a Variant of Uncertain Significance.

University of Washington Department of Laboratory Medicine, University of Washington
Classification: Likely benign for Hereditary cancer-predisposing syndrome. Last evaluated: 2023-03-23. Review status: criteria provided, single submitter. Criteria: Dines et al. (Genet Med. 2020). Collection method: curation. Allele origin: germline.
Comment: Missense variant in a coldspot region where missense variants are very unlikely to be pathogenic (PMID:31911673).

BRCA2 exon 10 coldspot. Reclassification based on statistical prior probability.

Ambry Genetics
Classification: Uncertain significance for Hereditary cancer-predisposing syndrome. Last evaluated: 2021-11-23. Review status: criteria provided, single submitter. Criteria: Ambry Variant Classification Scheme 2023. Collection method: clinical testing. Allele origin: germline.
Comment: The p.E461A variant (also known as c.1382A>C), located in coding exon 9 of the BRCA2 gene, results from an A to C substitution at nucleotide position 1382. The glutamic acid at codon 461 is replaced by alanine, an amino acid with dissimilar properties. This amino acid position is well conserved in available vertebrate species. In addition, this alteration is predicted to be tolerated by in silico analysis. Since supporting evidence is limited at this time, the clinical significance of this alteration remains unclear.

NM_000059.4(BRCA2):c.1382A>C (p.Glu461Ala)

Gene: BRCA2 (BRCA2 DNA repair associated; plus strand). Cytogenetic location: 13q13.1.
Variant type: single nucleotide variant.
Coding change: c.1382A>C on transcript NM_000059.4 (MANE Select); coding-DNA position 1382, A replaced by C.
Protein change: p.Glu461Ala; replaces glutamic acid 461 with alanine.
Molecular consequence: missense variant.
Genome position (GRCh38, 1-based): chr13:32,332,860, A>C. VCF-style: chr13-32332860-A-C. GRCh37 (hg19) VCF-style: chr13-32906997-A-C.
Other names: short protein forms E461A.
Identifiers: ClinVar variation 629142 (VCV000629142.9), dbSNP rs1566223455, ClinGen allele CA387762991.